The following is an entry in ClinVar:

NM_003072.5(SMARCA4):c.3070A>G (p.Lys1024Glu)

Gene: SMARCA4 (SWI/SNF related, matrix associated, actin dependent regulator of chromatin, subfamily a, member 4; plus strand). Cytogenetic location: 19p13.2.
Variant type: single nucleotide variant.
Coding change: c.3070A>G on transcript NM_003072.5 (MANE Select); coding-DNA position 3070, A replaced by G.
Protein change: p.Lys1024Glu; replaces lysine 1024 with glutamic acid.
Molecular consequence: missense variant. On other transcripts: non-coding transcript variant (1).
Genome position (GRCh38, 1-based): chr19:11,024,427, A>G. VCF-style: chr19-11024427-A-G. GRCh37 (hg19) VCF-style: chr19-11135103-A-G.
Other names: c.3070A>G, p.Lys1024Glu (NM_001128844.3, NM_001128845.2, NM_001128846.2 and 5 more transcripts); short protein forms K1024E.
Identifiers: ClinVar variation 392613 (VCV000392613.2), dbSNP rs1057524559, ClinGen allele CA16608812.

ClinVar aggregate classification (germline): Likely pathogenic (1 of 4 stars; one submission).

Submission:

GeneDx
Classification: Likely pathogenic. Last evaluated: 2017-01-06. Review status: criteria provided, single submitter. Criteria: GeneDx Variant Classification (06012015). Collection method: clinical testing. Allele origin: germline. Affected: yes.
Comment: The K1024E variant in the SMARCA4 gene has not been reported previously as a pathogenic variant, nor as a benign variant, to our knowledge. This variant was not observed in approximately 6500 individuals of European and African American ancestry in the NHLBI Exome Sequencing Project, indicating it is not a common benign variant in these populations. The K1024E variant is a non-conservative amino acid substitution, which is likely to impact secondary protein structure as these residues differ in polarity, charge, size and/or other properties. This substitution occurs at a position that is conserved across species, and in silico analysis predicts this variant is probably damaging to the protein structure/function. The K1024E variant is a strong candidate for a pathogenic variant.